The following is an entry in ClinVar:

ClinVar aggregate classification (germline): Pathogenic (1 of 4 stars; one submission).

Allele frequency attached by ClinVar (database versions not stated): ExAC 0.00001; gnomAD 0.00001.
gnomAD v4.1: 6 of 1,139,608 alleles (0.00053%); highest among the groups gnomAD compares: African/African-American, 0.0047%; no homozygotes.

Submission:

Labcorp Genetics (formerly Invitae), Labcorp
Classification: Pathogenic. Last evaluated: 2025-04-15. Review status: criteria provided, single submitter. Criteria: Invitae Variant Classification Sherloc (09022015). Collection method: clinical testing. Allele origin: germline.
Comment: This sequence change creates a premature translational stop signal (p.Cys178*) in the MYO18B gene. It is expected to result in an absent or disrupted protein product. Loss-of-function variants in MYO18B are known to be pathogenic (PMID: 25748484, 32184166, 32637634). The frequency data for this variant in the population databases is considered unreliable, as metrics indicate poor data quality at this position in the gnomAD database. This variant has not been reported in the literature in individuals affected with MYO18B-related conditions. ClinVar contains an entry for this variant (Variation ID: 1960957). For these reasons, this variant has been classified as Pathogenic.

Literature cited by the submitters: PubMed 25748484; PubMed 32184166; PubMed 32637634.

NM_032608.7(MYO18B):c.534C>A (p.Cys178Ter)

Gene: MYO18B (myosin XVIIIB; plus strand). Cytogenetic location: 22q12.1.
Variant type: single nucleotide variant.
Coding change: c.534C>A on transcript NM_032608.7 (MANE Select); coding-DNA position 534, C replaced by A.
Protein change: p.Cys178Ter; replaces cysteine 178 with a stop codon.
Molecular consequence: nonsense.
Genome position (GRCh38, 1-based): chr22:25,768,450, C>A. VCF-style: chr22-25768450-C-A. GRCh37 (hg19) VCF-style: chr22-26164417-C-A.
Other names: c.534C>A, p.Cys178Ter (NM_001318245.2); short protein forms C178*.
Identifiers: ClinVar variation 1960957 (VCV001960957.5), dbSNP rs759928207, ClinGen allele CA10159626.
Genomic context (GRCh38, chr22:25,768,450, plus strand): 5'-CAAGCTGGACCCGGACTCAGCCAAGCCAGAGAAGACTCATCCCCATGACGCCCCCCCTTG[C>A]AAGACCTCTCCCCCCGCCACAGATACTGGAAAGGAAAAGAAAGGGGAGACCTCTAGGACT-3'